The following is an entry in ClinVar:

NM_003849.4(SUCLG1):c.952C>T (p.Leu318Phe)

Gene: SUCLG1 (succinate-CoA ligase GDP/ADP-forming subunit alpha; minus strand). Cytogenetic location: 2p11.2.
Variant type: single nucleotide variant.
Coding change: c.952C>T on transcript NM_003849.4 (MANE Select); coding-DNA position 952, C replaced by T.
Protein change: p.Leu318Phe; replaces leucine 318 with phenylalanine.
Molecular consequence: missense variant.
Genome position (GRCh38, 1-based): chr2:84,425,477, G>A on the plus strand (C>T on the coding strand, the complement: SUCLG1 is on the minus strand). VCF-style: chr2-84425477-G-A. GRCh37 (hg19) VCF-style: chr2-84652601-G-A.
Other names: p.L318F:CTT>TTT; short protein forms L318F.
Identifiers: ClinVar variation 203976 (VCV000203976.2), dbSNP rs576618977, ClinGen allele CA313060.

ClinVar aggregate classification (germline): Uncertain significance (1 of 4 stars; one submission).

Allele frequency attached by ClinVar (database versions not stated): gnomAD exomes below 0.00001; ExAC 0.00001; gnomAD 0.00001; 1000 Genomes Project 30x 0.00016; 1000 Genomes Project 0.00020.
gnomAD v4.1: 3 of 1,614,202 alleles (0.00019%); highest among the groups gnomAD compares: South Asian, 0.0033%; no homozygotes.

Submission:

GeneDx
Classification: Uncertain significance. Last evaluated: 2012-12-18. Review status: criteria provided, single submitter. Criteria: GeneDx Variant Classification (06012015). Collection method: clinical testing. Allele origin: germline. Affected: yes.
Comment: p.Leu318Phe (CTT>TTT): c.952 C>T in exon 8 of the SUCLG1 gene (NM_003849.3) A variant of unknown significance has been identified in the SUCLG1 gene. The L318F missense substitution has not been published as a mutation, nor has it been reported as a benign polymorphism to our knowledge. The amino acid change is conservative in that both Leucine and Phenylalanine are uncharged, non-polar amino acids. This change occurs at a position in the SUCLG1 protein that is conserved in mammals. In-silico analysis models predict that L318F is damaging to the SUCLG1 protein. Therefore, based on the currently available information, it is unclear whether L318F is a disease-causing mutation or a rare benign variant. The variant is found in MITONUC-MITOP panel(s).